The following is an entry in ClinVar:

ClinVar aggregate classification (germline): Conflicting classifications of pathogenicity. Review status: criteria provided, conflicting classifications (1 of 4 stars). 3 submissions from 3 submitters: Uncertain significance (2); Likely benign (1). Last evaluated 2025-10-07.

Conditions:
Hereditary cancer-predisposing syndrome. Also called: Hereditary Cancer Syndrome; Hereditary neoplastic syndrome; Neoplastic Syndromes, Hereditary; Tumor predisposition. Identifiers: Orphanet 140162, MedGen C0027672, MeSH D009386, MONDO:0015356.
Ataxia-telangiectasia syndrome (AT). Also called: Ataxia-telangiectasia, complementation group E; LOUIS-BAR SYNDROME; Cerebello-oculocutaneous telangiectasia; Immunodeficiency with ataxia telangiectasia; Ataxia-telangiectasia, complementation group D; AT, COMPLEMENTATION GROUP C. Identifiers: Orphanet 100, MedGen C0004135, MONDO:0008840, OMIM 208900.

Allele frequency attached by ClinVar (database versions not stated): gnomAD exomes below 0.00001.
gnomAD v4.1: 1 of 1,614,164 alleles (0.000062%); highest among the groups gnomAD compares: Non-Finnish European, 0.000085%; no homozygotes.

Submissions (3):

Ambry Genetics
Classification: Likely benign for Hereditary cancer-predisposing syndrome. Last evaluated: 2025-10-07. Review status: criteria provided, single submitter. Criteria: Ambry Variant Classification Scheme 2023. Collection method: clinical testing. Allele origin: germline.

Labcorp Genetics (formerly Invitae), Labcorp
Classification: Uncertain significance for Ataxia-telangiectasia syndrome. Last evaluated: 2024-09-12. Review status: criteria provided, single submitter. Criteria: Invitae Variant Classification Sherloc (09022015). Collection method: clinical testing. Allele origin: germline.
Comment: This sequence change replaces glutamic acid, which is acidic and polar, with valine, which is neutral and non-polar, at codon 518 of the ATM protein (p.Glu518Val). This variant is not present in population databases (gnomAD no frequency). This variant has not been reported in the literature in individuals affected with ATM-related conditions. ClinVar contains an entry for this variant (Variation ID: 920016). An algorithm developed to predict the effect of missense changes on protein structure and function (PolyPhen-2) suggests that this variant is likely to be tolerated. In summary, the available evidence is currently insufficient to determine the role of this variant in disease. Therefore, it has been classified as a Variant of Uncertain Significance.

Color Diagnostics, LLC DBA Color Health
Classification: Uncertain significance for Hereditary cancer-predisposing syndrome. Last evaluated: 2019-12-17. Review status: criteria provided, single submitter. Criteria: ACMG Guidelines, 2015. Collection method: clinical testing. Allele origin: germline.
Comment: This missense variant replaces glutamic acid with valine at codon 518 of the ATM protein. Computational prediction suggests that this variant may not impact protein structure and function (internally defined REVEL score threshold <= 0.5, PMID: 27666373). Splice site prediction tools suggest that this variant may not impact RNA splicing. To our knowledge, functional studies have not been performed for this variant. This variant has not been reported in individuals affected with hereditary cancer in the literature. This variant has not been identified in the general population by the Genome Aggregation Database (gnomAD). The available evidence is insufficient to determine the role of this variant in disease conclusively. Therefore, this variant is classified as a Variant of Uncertain Significance.

Literature cited by the submitters: PubMed 40580951 (cited by Ambry Genetics).

NM_000051.4(ATM):c.1553A>T (p.Glu518Val)

Gene: ATM (ATM serine/threonine kinase; plus strand). Cytogenetic location: 11q22.3.
Variant type: single nucleotide variant.
Coding change: c.1553A>T on transcript NM_000051.4 (MANE Select); coding-DNA position 1553, A replaced by T.
Protein change: p.Glu518Val; replaces glutamic acid 518 with valine.
Molecular consequence: missense variant.
Genome position (GRCh38, 1-based): chr11:108,251,018, A>T. VCF-style: chr11-108251018-A-T. GRCh37 (hg19) VCF-style: chr11-108121745-A-T.
Other names: c.1553A>T, p.Glu518Val (NM_001351834.2); short protein forms E518V.
Identifiers: ClinVar variation 920016 (VCV000920016.6), dbSNP rs2080117672, ClinGen allele CA382534339.